The following is an entry in ClinVar:

NM_003235.5(TG):c.4451A>G (p.Gln1484Arg)

Gene: TG (thyroglobulin; plus strand). Cytogenetic location: 8q24.22.
Variant type: single nucleotide variant.
Coding change: c.4451A>G on transcript NM_003235.5 (MANE Select); coding-DNA position 4451, A replaced by G.
Protein change: p.Gln1484Arg; replaces glutamine 1484 with arginine.
Molecular consequence: missense variant.
Genome position (GRCh38, 1-based): chr8:132,919,448, A>G. VCF-style: chr8-132919448-A-G. GRCh37 (hg19) VCF-style: chr8-133931693-A-G.
Other names: short protein forms Q1484R.
Identifiers: ClinVar variation 4990174 (VCV004990174.1).

ClinVar aggregate classification (germline): Uncertain significance (1 of 4 stars; one submission).

Conditions:
TG-related disorder. Also called: TG-related condition; TG-related disorders.

gnomAD v4.1: 15 of 1,614,048 alleles (0.00093%); highest among the groups gnomAD compares: Admixed American, 0.0033%; no homozygotes.

Submission:

PreventionGenetics, part of Exact Sciences
Classification: Uncertain significance for TG-related condition. Last evaluated: 2026-09-02. Review status: criteria provided, single submitter. Criteria: ACMG Guidelines, 2015. Collection method: clinical testing. Allele origin: germline.
Comment: The TG c.4451A>G variant is predicted to result in the amino acid substitution p.Gln1484Arg. To our knowledge, this variant has not been reported in the literature. This variant is reported in 0.0018% of alleles in individuals of European (Non-Finnish) descent in gnomAD. At this time, the clinical significance of this variant is uncertain due to the absence of conclusive functional and genetic evidence.